The following is an entry in ClinVar:

ClinVar aggregate classification (germline): Conflicting classifications of pathogenicity. Review status: criteria provided, conflicting classifications (1 of 4 stars). 4 submissions from 4 submitters: Uncertain significance (1); Likely benign (3). Last evaluated 2026-01-12.

Conditions:
Inborn genetic diseases. Identifiers: MedGen C0950123, MeSH D030342.

Allele frequency attached by ClinVar (database versions not stated): 1000 Genomes Project 30x 0.00016; 1000 Genomes Project 0.00020; TOPMed 0.00054; gnomAD exomes 0.00064 and 0.00073; gnomAD 0.00068 and 0.00071; ESP Exome Variant Server 0.00080; ExAC 0.00086.
gnomAD v4.1: 972 of 1,521,082 alleles (0.064%); highest among the groups gnomAD compares: South Asian, 0.14%; 4 homozygotes.

Submissions (4):

Labcorp Genetics (formerly Invitae), Labcorp
Classification: Likely benign. Last evaluated: 2026-01-12. Review status: criteria provided, single submitter. Criteria: Invitae Variant Classification Sherloc (09022015). Collection method: clinical testing. Allele origin: germline.

CeGaT Center for Human Genetics Tuebingen
Classification: Likely benign. Last evaluated: 2025-10-01. Review status: criteria provided, single submitter. Criteria: CeGaT Center For Human Genetics Tuebingen Variant Classification Criteria Version 2. Collection method: clinical testing. Allele origin: germline. Affected: yes. Observed: 7 variant alleles.
Comment: LARP7: BP4

Blueprint Genetics
Classification: Likely benign. Last evaluated: 2024-10-14. Review status: criteria provided, single submitter. Criteria: ACMG Guidelines, 2015. Collection method: clinical testing. Allele origin: germline.

Ambry Genetics
Classification: Uncertain significance for Inborn genetic diseases. Last evaluated: 2024-06-30. Review status: criteria provided, single submitter. Criteria: Ambry Variant Classification Scheme 2023. Collection method: clinical testing. Allele origin: germline.

NM_016648.4(LARP7):c.1001T>C (p.Ile334Thr)

Genes: LARP7 (La ribonucleoprotein 7, transcriptional regulator; plus strand), MIR302CHG (miR-302/367 cluster host gene; minus strand). Cytogenetic location: 4q25.
Variant type: single nucleotide variant.
Coding change: c.1001T>C on transcript NM_016648.4 (MANE Select); coding-DNA position 1001, T replaced by C.
Protein change: p.Ile334Thr; replaces isoleucine 334 with threonine.
Molecular consequence: missense variant.
Genome position (GRCh38, 1-based): chr4:112,647,693, T>C. VCF-style: chr4-112647693-T-C. GRCh37 (hg19) VCF-style: chr4-113568849-T-C.
Other names: c.1001T>C (NM_016648.2); c.1001T>C, p.Ile334Thr (NM_001267039.4, NM_001370978.1, NM_015454.3); c.1040T>C, p.Ile347Thr (NM_001370974.1, NM_001370975.1); c.1037T>C, p.Ile346Thr (NM_001370976.1, NM_001370977.1); c.998T>C, p.Ile333Thr (NM_001370979.1, NM_001370980.1); c.764T>C, p.Ile255Thr (NM_001370981.1, NM_001370982.1); short protein forms I255T, I334T, I347T, I333T, I346T.
Identifiers: ClinVar variation 711671 (VCV000711671.34), dbSNP rs200831675, ClinGen allele CA3049363.